The following is an entry in ClinVar:

NM_000243.3(MEFV):c.2158A>G (p.Ile720Val)

Genes: MEFV (MEFV innate immunity regulator, pyrin; minus strand), LOC126862264 (CDK7 strongly-dependent group 2 enhancer GRCh37_chr16:3293322-3294521; plus strand). Cytogenetic location: 16p13.3.
Variant type: single nucleotide variant.
Coding change: c.2158A>G on transcript NM_000243.3 (MANE Select); coding-DNA position 2158, A replaced by G.
Protein change: p.Ile720Val; replaces isoleucine 720 with valine.
Molecular consequence: missense variant. On other transcripts: 3 prime UTR variant (1).
Genome position (GRCh38, 1-based): chr16:3,243,329, T>C on the plus strand (A>G on the coding strand, the complement: MEFV is on the minus strand). VCF-style: chr16-3243329-T-C. GRCh37 (hg19) VCF-style: chr16-3293329-T-C.
Other names: c.*362A>G (NM_001198536.2); short protein forms I720V.
Identifiers: ClinVar variation 888111 (VCV000888111.5), dbSNP rs1023300125, ClinGen allele CA276955063.

ClinVar aggregate classification (germline): Uncertain significance. Review status: criteria provided, multiple submitters, no conflicts (2 of 4 stars). 2 submissions from 2 submitters: Uncertain significance (2). Last evaluated 2025-07-30.

Conditions:
Familial Mediterranean fever (FMF). Also called: POLYSEROSITIS, FAMILIAL PAROXYSMAL; POLYSEROSITIS, RECURRENT; Periodic peritonitis; Benign paroxysmal peritonitis. Identifiers: Orphanet 342, MedGen C0031069, MONDO:0018088, OMIM 249100. Disease mechanism: gain of function.
Inborn genetic diseases. Identifiers: MedGen C0950123, MeSH D030342.

Allele frequency attached by ClinVar (database versions not stated): gnomAD exomes below 0.00001.

Submissions (2):

Ambry Genetics
Classification: Uncertain significance for Inborn genetic diseases. Last evaluated: 2025-07-30. Review status: criteria provided, single submitter. Criteria: Ambry Variant Classification Scheme 2023. Collection method: clinical testing. Allele origin: germline.
Comment: The p.I720V variant (also known as c.2158A>G), located in coding exon 10 of the MEFV gene, results from an A to G substitution at nucleotide position 2158. The isoleucine at codon 720 is replaced by valine, an amino acid with highly similar properties. This amino acid position is conserved. In addition, in silico predictors for this gene do not accurately predict pathogenicity. Based on the available evidence, the clinical significance of this variant remains unclear.

Illumina Laboratory Services, Illumina
Classification: Uncertain significance for Familial Mediterranean fever. Last evaluated: 2017-04-28. Review status: criteria provided, single submitter. Criteria: ICSL Variant Classification Criteria 13 December 2019. Collection method: clinical testing. Allele origin: germline.